The following is an entry in ClinVar:

NM_024598.4(USB1):c.97C>G (p.Arg33Gly)

Genes: USB1 (U6 snRNA biogenesis phosphodiesterase 1; plus strand), LOC130059131 (ATAC-STARR-seq lymphoblastoid active region 10920; plus strand). Cytogenetic location: 16q21.
Variant type: single nucleotide variant.
Coding change: c.97C>G on transcript NM_024598.4 (MANE Select); coding-DNA position 97, C replaced by G.
Protein change: p.Arg33Gly; replaces arginine 33 with glycine.
Molecular consequence: missense variant. On other transcripts: intron variant (1).
Genome position (GRCh38, 1-based): chr16:58,001,580, C>G. VCF-style: chr16-58001580-C-G. GRCh37 (hg19) VCF-style: chr16-58035484-C-G.
Other names: NC_000016.9:g.58035484C>G; c.97C>G, p.Arg33Gly (NM_001195302.2, NM_001204911.2, NM_001330569.2); c.-55-899C>G (NM_001330568.2); short protein forms R33G.
Identifiers: ClinVar variation 3813861 (VCV003813861.2).

ClinVar aggregate classification (germline): Uncertain significance (1 of 4 stars; one submission).

Conditions:
Inborn genetic diseases. Identifiers: MedGen C0950123, MeSH D030342.

gnomAD v4.1: 33 of 1,604,644 alleles (0.0021%); highest among the groups gnomAD compares: Non-Finnish European, 0.0026%; no homozygotes.

Submissions (2):

Ambry Genetics
Classification: Uncertain significance for Inborn genetic diseases. Last evaluated: 2024-12-15. Review status: criteria provided, single submitter. Criteria: Ambry Variant Classification Scheme 2023. Collection method: clinical testing. Allele origin: germline.
Comment: The p.R33G variant (also known as c.97C>G), located in coding exon 1 of the USB1 gene, results from a C to G substitution at nucleotide position 97. The arginine at codon 33 is replaced by glycine, an amino acid with dissimilar properties. This amino acid position is conserved. In addition, this alteration is predicted to be tolerated by in silico analysis. Based on the available evidence, the clinical significance of this variant remains unclear.

Dr. Peter K. Rogan Lab, Western University
No classification provided (evidence only). Condition: Malignant tumor of urinary bladder. Review status: no classification provided. Collection method: in vitro. Allele origin: not applicable. Functional consequence: retained intron. Not counted in ClinVar's aggregate classification.